The following is an entry in ClinVar:

NM_000059.4(BRCA2):c.808_810del (p.Ser270del)

Gene: BRCA2 (BRCA2 DNA repair associated; plus strand). Cytogenetic location: 13q13.1.
Variant type: Deletion.
Coding change: c.808_810del on transcript NM_000059.4 (MANE Select); coding-DNA positions 808 to 810, 3 bases deleted (TCA; older notation c.808_810delTCA).
Protein change: p.Ser270del; deletes serine 270.
Molecular consequence: inframe indel (on NM_000059.3). On other transcripts: non-coding transcript variant (1), intron variant (1).
Genome position (GRCh38, 1-based): chr13:32,332,286-32,332,288, TCA deleted; deleting any 3 consecutive bases within chr13:32,332,284-32,332,288 gives the same sequence; the c. name uses the placement nearest the transcript's 3' end. VCF-style (leftmost placement, unchanged base first): chr13-32332283-ACAT-A. GRCh37 (hg19) VCF-style: chr13-32906420-ACAT-A.
Other names: c.808_810delTCA, p.Ser270del (NM_000059.3); c.808_810del, p.Ser270del (NM_001406719.1, NM_001406720.1, NM_001406721.1 and 1 more transcripts); c.424+1256_424+1258del (NM_001406722.1); short protein forms S270del.
Identifiers: ClinVar variation 3602323 (VCV003602323.1).
Genomic context (GRCh38, chr13:32,332,283, plus strand): 5'-TTATATGGCTTATAAAATATTAATGTGCTTCTGTTTTATACTTTAACAGGATTTGGAAAA[ACAT>A]CAGGGAATTCATTTAAAGTAAATAGCTGCAAAGACCACATTGGAAAGTCAATGCCAAATG-3'

ClinVar aggregate classification (germline): Uncertain significance (1 of 4 stars; one submission).

Submission:

GeneDx
Classification: Uncertain significance. Last evaluated: 2024-07-29. Review status: criteria provided, single submitter. Criteria: GeneDx Variant Classification Process June 2021. Collection method: clinical testing. Allele origin: germline. Affected: yes.
Comment: Not observed at significant frequency in large population cohorts (gnomAD); In-frame deletion of 1 amino acid in a non-repeat region; In silico analysis supports a deleterious effect on protein structure/function; Has not been previously published as pathogenic or benign to our knowledge; Also known as 1036_1038del